The following is an entry in ClinVar:

ClinVar aggregate classification (germline): Uncertain significance (1 of 4 stars; one submission).

Conditions:
Cardiovascular phenotype. Identifiers: MedGen CN230736.

gnomAD v4.1: 1 of 1,551,458 alleles (0.000064%); highest among the groups gnomAD compares: Non-Finnish European, 0.000087%; no homozygotes.

Submission:

Ambry Genetics
Classification: Uncertain significance for Cardiovascular phenotype. Last evaluated: 2026-05-05. Review status: criteria provided, single submitter. Criteria: Ambry Variant Classification Scheme 2023. Collection method: clinical testing. Allele origin: germline.
Comment: The p.P645Q variant (also known as c.1934C>A), located in coding exon 9 of the RBM20 gene, results from a C to A substitution at nucleotide position 1934. The proline at codon 645 is replaced by glutamine, an amino acid with similar properties. This amino acid position is highly conserved in available vertebrate species. In addition, this alteration is predicted to be deleterious by in silico analysis. Based on the available evidence, the clinical significance of this variant remains unclear.

NM_001134363.3(RBM20):c.1934C>A (p.Pro645Gln)

Gene: RBM20 (RNA binding motif protein 20; plus strand). Cytogenetic location: 10q25.2.
Variant type: single nucleotide variant.
Coding change: c.1934C>A on transcript NM_001134363.3 (MANE Select); coding-DNA position 1934, C replaced by A.
Protein change: p.Pro645Gln; replaces proline 645 with glutamine.
Molecular consequence: missense variant.
Genome position (GRCh38, 1-based): chr10:110,812,331, C>A. VCF-style: chr10-110812331-C-A. GRCh37 (hg19) VCF-style: chr10-112572089-C-A.
Other names: short protein forms P645Q.
Identifiers: ClinVar variation 4863071 (VCV004863071.1).
Genomic context (GRCh38, chr10:110,812,331, plus strand): 5'-CTCACAGATATGGCCCAGAAAGGCCGCGGTCTCGTAGTCCGGTGAGCCGGTCACTCTCCC[C>A]GAGGTCCCACACTCCCAGCTTCACCTCCTGCAGCTCTTCCCACAGCCCTCCGGGCCCCTC-3'
Protein context (NP_001127835.2, residues 635-655): SRSPVSRSLS[Pro645Gln]RSHTPSFTSC